The following is an entry in ClinVar:

NM_025152.3(NUBPL):c.135A>G (p.Leu45=)

Gene: NUBPL (NUBP iron-sulfur cluster assembly factor, mitochondrial; plus strand). Cytogenetic location: 14q12.
Variant type: single nucleotide variant.
Coding change: c.135A>G on transcript NM_025152.3 (MANE Select); coding-DNA position 135, A replaced by G.
Protein change: p.Leu45=; no amino-acid change (leucine 45 retained).
Molecular consequence: synonymous variant. On other transcripts: non-coding transcript variant (1).
Genome position (GRCh38, 1-based): chr14:31,562,094, A>G. VCF-style: chr14-31562094-A-G. GRCh37 (hg19) VCF-style: chr14-32031300-A-G.
Identifiers: ClinVar variation 513251 (VCV000513251.1), dbSNP rs1555310841, ClinGen allele CA485991808.

ClinVar aggregate classification (germline): Likely benign (1 of 4 stars; one submission).

gnomAD v4.1: 1 of 1,609,080 alleles (0.000062%); highest among the groups gnomAD compares: Non-Finnish European, 0.000085%; no homozygotes.

Submission:

GeneDx
Classification: Likely benign. Last evaluated: 2017-11-20. Review status: criteria provided, single submitter. Criteria: GeneDx Variant Classification (06012015). Collection method: clinical testing. Allele origin: germline. Affected: yes.
Comment: This variant is considered likely benign or benign based on one or more of the following criteria: it is a conservative change, it occurs at a poorly conserved position in the protein, it is predicted to be benign by multiple in silico algorithms, and/or has population frequency not consistent with disease.